The following is an entry in ClinVar:

NM_000257.4(MYH7):c.4362C>G (p.Ala1454=)

Genes: MHRT (myosin heavy chain associated RNA transcript; plus strand), MYH7 (myosin heavy chain 7; minus strand). Cytogenetic location: 14q11.2.
Variant type: single nucleotide variant.
Coding change: c.4362C>G on transcript NM_000257.4 (MANE Select); coding-DNA position 4362, C replaced by G.
Protein change: p.Ala1454=; no amino-acid change (alanine 1454 retained).
Molecular consequence: synonymous variant. On other transcripts: non-coding transcript variant (1).
Genome position (GRCh38, 1-based): chr14:23,417,310, G>C on the plus strand (C>G on the coding strand, the complement: MYH7 is on the minus strand). VCF-style: chr14-23417310-G-C. GRCh37 (hg19) VCF-style: chr14-23886519-G-C.
Identifiers: ClinVar variation 180007 (VCV000180007.4), dbSNP rs727505281, ClinGen allele CA014896.
Genomic context (GRCh38, chr14:23,417,310, plus strand): 5'-AGCCTCCTTCTGCGAGGACTCCAGCTCCGACTGCGACTCCTCATACTTCTGCTTCCACTC[G>C]GCCAGGATCTGCCCGGGGACAAGGCTCACTCTTCAGCCCCCCAGCCTCAGCCCCATGTCC-3'
Protein context (NP_000248.2, residues 1444-1464): KKQRNFDKIL[Ala1454=]EWKQKYEESQ

ClinVar aggregate classification (germline): Likely benign (1 of 4 stars; one submission).

gnomAD v4.1: 3 of 1,613,822 alleles (0.00019%); highest among the groups gnomAD compares: Non-Finnish European, 0.00025%; no homozygotes.

Submission:

Laboratory for Molecular Medicine, Mass General Brigham Personalized Medicine
Classification: Likely benign. Last evaluated: 2014-09-10. Review status: criteria provided, single submitter. Criteria: LMM Criteria. Collection method: clinical testing. Allele origin: germline. Observed: 1 variant allele.
Comment: Ala1454Ala in exon 32 of MYH7: This variant is not expected to have clinical sig nificance because it does not alter an amino acid residue and is not located wit hin the splice consensus sequence.